The following is an entry in ClinVar:

ClinVar aggregate classification (germline): Pathogenic (1 of 4 stars; one submission).

Conditions:
Multiple congenital exostosis (EXT). Also called: Hereditary multiple osteochondromas; MULTIPLE CARTILAGINOUS EXOSTOSES; Multiple exostoses; Hereditary multiple exostoses; Hereditary multiple exostosis; Multiple osteochondromas. Identifiers: Orphanet 321, MedGen C0015306, MONDO:0005508, HP:0002762.

Submission:

Labcorp Genetics (formerly Invitae), Labcorp
Classification: Pathogenic for Multiple congenital exostosis. Last evaluated: 2021-04-23. Review status: criteria provided, single submitter. Criteria: Invitae Variant Classification Sherloc (09022015). Collection method: clinical testing. Allele origin: germline.
Comment: This variant is not present in population databases (ExAC no frequency). This sequence change creates a premature translational stop signal (p.Trp711Glyfs*7) in the EXT1 gene. While this is not anticipated to result in nonsense mediated decay, it is expected to disrupt the last 36 amino acid(s) of the EXT1 protein. This variant has not been reported in the literature in individuals with EXT1-related conditions. This variant disrupts the C-terminus of the EXT1 protein. Other variant(s) that disrupt this region (p.Trp711*) have been determined to be pathogenic (PMID: 29620724, Invitae). This suggests that variants that disrupt this region of the protein are likely to be causative of disease. For these reasons, this variant has been classified as Pathogenic.

Literature cited by the submitters: PubMed 29620724.

NM_000127.3(EXT1):c.2131del (p.Trp711fs)

Gene: EXT1 (exostosin glycosyltransferase 1; minus strand). Cytogenetic location: 8q24.11.
Variant type: Deletion.
Coding change: c.2131del on transcript NM_000127.3 (MANE Select); coding-DNA position 2131, one base deleted (T; older notation c.2131delT).
Protein change: p.Trp711fs; shifts the reading frame from tryptophan 711.
Molecular consequence: frameshift variant.
Genome position (GRCh38, 1-based): chr8:117,799,822, A deleted on the plus strand (T on the coding strand, the reverse complement: EXT1 is on the minus strand). VCF-style (leftmost placement, unchanged base first): chr8-117799821-CA-C. GRCh37 (hg19) VCF-style: chr8-118812060-CA-C.
Other names: short protein forms W711fs.
Identifiers: ClinVar variation 1369192 (VCV001369192.8), dbSNP rs2129679904, ClinGen allele CA2573142797.